The following is an entry in ClinVar:

NM_024577.4(SH3TC2):c.3512G>A (p.Arg1171His)

Gene: SH3TC2 (SH3 domain and tetratricopeptide repeats 2; minus strand). Cytogenetic location: 5q32.
Variant type: single nucleotide variant.
Coding change: c.3512G>A on transcript NM_024577.4 (MANE Select); coding-DNA position 3512, G replaced by A.
Protein change: p.Arg1171His; replaces arginine 1171 with histidine.
Molecular consequence: missense variant.
Genome position (GRCh38, 1-based): chr5:149,007,044, C>T on the plus strand (G>A on the coding strand, the complement: SH3TC2 is on the minus strand). VCF-style: chr5-149007044-C-T. GRCh37 (hg19) VCF-style: chr5-148386607-C-T.
Other names: short protein forms R1171H.
Identifiers: ClinVar variation 952984 (VCV000952984.14), dbSNP rs200728983, ClinGen allele CA3498694.

ClinVar aggregate classification (germline): Uncertain significance. Review status: criteria provided, multiple submitters, no conflicts (2 of 4 stars). 4 submissions from 4 submitters: Uncertain significance (4). Last evaluated 2022-04-22.

Conditions:
Susceptibility to mononeuropathy of the median nerve, mild. Also called: CARPAL TUNNEL SYNDROME, SUSCEPTIBILITY TO. Identifiers: MedGen C3150596, MONDO:0013237, OMIM 613353.
Charcot-Marie-Tooth disease type 4C (CMT4C). Also called: Charcot-Marie-Tooth Neuropathy Type 4C (CMT4C); CHARCOT-MARIE-TOOTH DISEASE, DEMYELINATING, AUTOSOMAL RECESSIVE, TYPE 4C; CMT 4C; CHARCOT-MARIE-TOOTH DISEASE, DEMYELINATING, TYPE 4C; SH3TC2-Related Hereditary Motor and Sensory Neuropathy. Identifiers: Orphanet 99949, MedGen C1866636, MONDO:0011113, OMIM 601596.
Inborn genetic diseases. Identifiers: MedGen C0950123, MeSH D030342.
Charcot-Marie-Tooth disease type 4. Also called: Charcot-Marie-Tooth disease, type IV; Charcot-Marie-Tooth, Type 4. Identifiers: Orphanet 64749, MedGen C4082197, MONDO:0018995.

Allele frequency attached by ClinVar (database versions not stated): 1000 Genomes Project 30x 0.00031; 1000 Genomes Project 0.00040.
gnomAD v4.1: 31 of 1,614,118 alleles (0.0019%); highest among the groups gnomAD compares: South Asian, 0.0077%; no homozygotes.

Submissions (4):

Fulgent Genetics
Classification: Uncertain significance for Charcot-Marie-Tooth disease type 4C; Susceptibility to mononeuropathy of the median nerve, mild. Last evaluated: 2022-04-22. Review status: criteria provided, single submitter. Criteria: ACMG Guidelines, 2015. Collection method: clinical testing. Allele origin: unknown.

MGZ Medical Genetics Center
Classification: Uncertain significance for Susceptibility to mononeuropathy of the median nerve, mild. Last evaluated: 2021-09-01. Review status: criteria provided, single submitter. Criteria: ACMG Guidelines, 2015. Collection method: clinical testing. Allele origin: germline. Affected: yes. Observed: 1 variant allele.
Comment: ACMG criteria applied: PM5, PM2_SUP, PP3

Ambry Genetics
Classification: Uncertain significance for Inborn genetic diseases. Last evaluated: 2020-07-23. Review status: criteria provided, single submitter. Criteria: Ambry Variant Classification Scheme 2023. Collection method: clinical testing. Allele origin: germline.
Comment: The p.R1171H variant (also known as c.3512G>A), located in coding exon 16 of the SH3TC2 gene, results from a G to A substitution at nucleotide position 3512. The arginine at codon 1171 is replaced by histidine, an amino acid with highly similar properties. This amino acid position is highly conserved in available vertebrate species. In addition, this alteration is predicted to be deleterious by in silico analysis. Since supporting evidence is limited at this time, the clinical significance of this alteration remains unclear.

Labcorp Genetics (formerly Invitae), Labcorp
Classification: Uncertain significance for Charcot-Marie-Tooth disease type 4. Last evaluated: 2019-08-16. Review status: criteria provided, single submitter. Criteria: Invitae Variant Classification Sherloc (09022015). Collection method: clinical testing. Allele origin: germline.
Comment: This variant has not been reported in the literature in individuals with SH3TC2-related conditions. In summary, the available evidence is currently insufficient to determine the role of this variant in disease. Therefore, it has been classified as a Variant of Uncertain Significance. This variant disrupts the p.Arg1171 amino acid residue in SH3TC2. Other variant(s) that disrupt this residue have been determined to be pathogenic (PMID: 23466821, 25429913, 30001926). This suggests that this residue is clinically significant, and that variants that disrupt this residue are likely to be disease-causing. Algorithms developed to predict the effect of missense changes on protein structure and function (SIFT, PolyPhen-2, Align-GVGD) all suggest that this variant is likely to be disruptive, but these predictions have not been confirmed by published functional studies and their clinical significance is uncertain. This variant is present in population databases (rs200728983, ExAC 0.006%). This sequence change replaces arginine with histidine at codon 1171 of the SH3TC2 protein (p.Arg1171His). The arginine residue is highly conserved and there is a small physicochemical difference between arginine and histidine.

Literature cited by the submitters: PubMed 23466821 (cited by Labcorp Genetics (formerly Invitae), Labcorp); PubMed 25429913 (cited by Labcorp Genetics (formerly Invitae), Labcorp); PubMed 30001926 (cited by Labcorp Genetics (formerly Invitae), Labcorp).